The following is an entry in ClinVar:

NM_006206.6(PDGFRA):c.257A>G (p.Glu86Gly)

Gene: PDGFRA (platelet derived growth factor receptor alpha; plus strand). Cytogenetic location: 4q12.
Variant type: single nucleotide variant.
Coding change: c.257A>G on transcript NM_006206.6 (MANE Select); coding-DNA position 257, A replaced by G.
Protein change: p.Glu86Gly; replaces glutamic acid 86 with glycine.
Molecular consequence: missense variant.
Genome position (GRCh38, 1-based): chr4:54,261,302, A>G. VCF-style: chr4-54261302-A-G. GRCh37 (hg19) VCF-style: chr4-55127469-A-G.
Other names: c.257A>G, p.Glu86Gly (NM_001347827.2, NM_001347829.2); c.332A>G, p.Glu111Gly (NM_001347828.2); c.296A>G, p.Glu99Gly (NM_001347830.2); short protein forms E86G, E111G, E99G.
Identifiers: ClinVar variation 579307 (VCV000579307.9), dbSNP rs773726970, ClinGen allele CA356888679.

ClinVar aggregate classification (germline): Uncertain significance (1 of 4 stars; one submission).

Conditions:
Gastrointestinal stromal tumor. Also called: Gastrointestinal stromal tumor, somatic; Gastrointestinal stroma tumor. Identifiers: Orphanet 44890, MedGen C0238198, MeSH D046152, MONDO:0011719, OMIM 606764, HP:0100723.

Submission:

Labcorp Genetics (formerly Invitae), Labcorp
Classification: Uncertain significance for Gastrointestinal stromal tumor. Last evaluated: 2018-02-07. Review status: criteria provided, single submitter. Criteria: Invitae Variant Classification Sherloc (09022015). Collection method: clinical testing. Allele origin: germline.
Comment: This variant has not been reported in the literature in individuals with PDGFRA-related disease. In summary, the available evidence is currently insufficient to determine the role of this variant in disease. Therefore, it has been classified as a Variant of Uncertain Significance. Algorithms developed to predict the effect of missense changes on protein structure and function (SIFT, PolyPhen-2, Align-GVGD) all suggest that this variant is likely to be tolerated, but these predictions have not been confirmed by published functional studies and their clinical significance is uncertain. This variant is not present in population databases (ExAC no frequency). This sequence change replaces glutamic acid with glycine at codon 86 of the PDGFRA protein (p.Glu86Gly). The glutamic acid residue is moderately conserved and there is a moderate physicochemical difference between glutamic acid and glycine.